The following is an entry in ClinVar:

NM_005502.4(ABCA1):c.6113G>A (p.Gly2038Glu)

Genes: ABCA1 (ATP binding cassette subfamily A member 1; minus strand), NIPSNAP3B (nipsnap homolog 3B; plus strand). Cytogenetic location: 9q31.1.
Variant type: single nucleotide variant.
Coding change: c.6113G>A on transcript NM_005502.4 (MANE Select); coding-DNA position 6113, G replaced by A.
Protein change: p.Gly2038Glu; replaces glycine 2038 with glutamic acid.
Molecular consequence: missense variant.
Genome position (GRCh38, 1-based): chr9:104,788,011, C>T on the plus strand (G>A on the coding strand, the complement: ABCA1 is on the minus strand). VCF-style: chr9-104788011-C-T. GRCh37 (hg19) VCF-style: chr9-107550292-C-T.
Other names: c.6113G>A (NM_005502.3); short protein forms G2038E.
Identifiers: ClinVar variation 2502190 (VCV002502190.4), dbSNP rs2538036433, ClinGen allele CA374306935.
Genomic context (GRCh38, chr9:104,788,011, plus strand): 5'-GCCATGGCTGTAGAGAGCTTGCGTTTGTTGCCTCCACTATAGTTACCAGCATATTTTTCT[C>T]CATACTTCACGAGGCCCAGTTTCCGAATCGCCCACTCACCAACCTACAGTGATAAAAAGC-3'
Protein context (NP_005493.2, residues 2028-2048): AIRKLGLVKY[Gly2038Glu]EKYAGNYSGG

ClinVar aggregate classification (germline): Uncertain significance. Review status: criteria provided, multiple submitters, no conflicts (2 of 4 stars). 2 submissions from 2 submitters: Uncertain significance (2). Last evaluated 2023-07-05.

Conditions:
Tangier disease (TGD). Also called: Cholesterol thesaurismosis; HIGH DENSITY LIPOPROTEIN DEFICIENCY, TANGIER TYPE; HIGH DENSITY LIPOPROTEIN DEFICIENCY, TYPE 1. Identifiers: Orphanet 31150, MedGen C0039292, MONDO:0008783, OMIM 205400.
Hypoalphalipoproteinemia, primary, 1. Identifiers: Orphanet 425, MedGen C5231558, MONDO:0011393, OMIM 604091.
Cardiovascular phenotype. Identifiers: MedGen CN230736.

Allele frequency attached by ClinVar (database versions not stated): gnomAD exomes below 0.00001.
gnomAD v4.1: 2 of 1,614,196 alleles (0.00012%); highest among the groups gnomAD compares: South Asian, 0.0011%; no homozygotes.

Submissions (2):

Ambry Genetics
Classification: Uncertain significance for Cardiovascular phenotype. Last evaluated: 2023-07-05. Review status: criteria provided, single submitter. Criteria: Ambry Variant Classification Scheme 2023. Collection method: clinical testing. Allele origin: germline.
Comment: The p.G2038E variant (also known as c.6113G>A), located in coding exon 45 of the ABCA1 gene, results from a G to A substitution at nucleotide position 6113. The glycine at codon 2038 is replaced by glutamic acid, an amino acid with similar properties. This amino acid position is conserved. In addition, the in silico prediction for this alteration is inconclusive. Since supporting evidence is limited at this time, the clinical significance of this alteration remains unclear.

New York Genome Center
Classification: Uncertain significance for Hypoalphalipoproteinemia, primary, 1; Tangier disease. Last evaluated: 2022-07-08. Review status: criteria provided, single submitter. Criteria: NYGC Assertion Criteria 2020. Collection method: clinical testing. Allele origin: germline. Observed: 1 heterozygote.
Comment: The c.6113G>A variant has not previously been reported in the literature or public variant repositories (ClinVar and LOVD) and is absent from population databases (gnomAD v2.1.1 and v3.1.2, TOPMed Freeze 8), suggesting it is not a common benign variant in the populations represented in those databases. The c.6113G>A variant is located in exon 46 of this 50-exon gene and is predicted to replace a moderately conserved glycine amino acid with glutamic acid at position 2038 of the encoded protein. In silico predictions are not in favor of the damaging effect for the p.(Gly2038Glu) variant [REVEL = 0.388]; however, there are no functional studies to support or refute these predictions. Based on available evidence this c.6113G>A p.(Gly2038Glu) variant identified in ABCA1 is classified as a Variant of Uncertain Significance.